The following is an entry in ClinVar:

NM_033504.4(TMEM54):c.636_649del (p.Leu212_Ser213insTer)

Gene: TMEM54 (transmembrane protein 54; minus strand). Cytogenetic location: 1p35.1.
Variant type: Deletion.
Coding change: c.636_649del on transcript NM_033504.4 (MANE Select); coding-DNA positions 636 to 649, 14 bases deleted (GAGCTGCACCAGCT).
Protein change: p.Leu212_Ser213insTer.
Molecular consequence: frameshift variant.
Genome position (GRCh38, 1-based): chr1:32,894,825-32,894,838, AGCTGGTGCAGCTC deleted on the plus strand (GAGCTGCACCAGCT on the coding strand, the reverse complement: TMEM54 is on the minus strand); deleting any 14 consecutive bases within chr1:32,894,825-32,894,841 gives the same sequence; the c. name uses the placement nearest the transcript's 3' end. VCF-style (leftmost placement, unchanged base first): chr1-32894824-GAGCTGGTGCAGCTC-G. GRCh37 (hg19) VCF-style: chr1-33360425-GAGCTGGTGCAGCTC-G.
Other names: c.690_703del, p.Leu230_Ser231insTer (NM_001329722.2); c.576_589del, p.Leu192_Ser193insTer (NM_001329723.2); c.537_550del, p.Leu179_Ser180insTer (NM_001329724.2); c.477_490del, p.Leu159_Ser160insTer (NM_001329725.2); c.636_649del14 (NM_033504.4).
Identifiers: ClinVar variation 2691376 (VCV002691376.1), dbSNP rs527445029, ClinGen allele CA745997.
Genomic context (GRCh38, chr1:32,894,824, plus strand): 5'-AGGGTCCTAGTGGCCATCGGGCCTGGGCAGGACATCATCTCTCAGAGGGTCAGAGGCTCA[GAGCTGGTGCAGCTC>G]AGCAGGTCACGGCCCTCCACCAGCTCTGGGTTCTCCCGCATCTGCAGAGACACAGGAGGC-3'

ClinVar aggregate classification (germline): Likely benign (1 of 4 stars; one submission).

Submission:

Women's Health and Genetics/Laboratory Corporation of America, LabCorp
Classification: Likely benign. Last evaluated: 2023-12-21. Review status: criteria provided, single submitter. Criteria: LabCorp Variant Classification Summary - May 2015. Collection method: clinical testing. Allele origin: germline.
Comment: Variant summary: TMEM54 c.636_649del14 (p.Ser213X) results in a premature termination codon and is predicted to cause a truncation of the encoded protein but is not expected to cause absence of the protein due to nonsense mediated decay. Furthermore, the molecular mechanism of disease attributed to TMEM54 is currently unknown. The variant allele was found at a frequency of 0.0024 in 1611776 control chromosomes, predominantly at a frequency of 0.003 within the Non-Finnish European subpopulation in the gnomAD database, including 15 homozygotes, suggesting the variant is likely a benign polymorphism. To our knowledge, no occurrence of c.636_649del14 in individuals affected with TMEM54-Related Disorders and no experimental evidence demonstrating its impact on protein function have been reported. No submitters have cited clinical-significance assessments for this variant to ClinVar after 2014. Based on the evidence outlined above, the variant was classified as likely benign.